The following is an entry in ClinVar:

ClinVar aggregate classification (germline): Uncertain significance (1 of 4 stars; one submission).

Conditions:
Hajdu-Cheney syndrome (HJCYS). Also called: ACROOSTEOLYSIS WITH OSTEOPOROSIS AND CHANGES IN SKULL AND MANDIBLE; SERPENTINE FIBULA-POLYCYSTIC KIDNEY SYNDROME; Acroosteolysis dominant type. Identifiers: Orphanet 955, MedGen C0917715, MONDO:0007057, OMIM 102500.

Submission:

Labcorp Genetics (formerly Invitae), Labcorp
Classification: Uncertain significance for Hajdu-Cheney syndrome. Last evaluated: 2024-04-29. Review status: criteria provided, single submitter. Criteria: Invitae Variant Classification Sherloc (09022015). Collection method: clinical testing. Allele origin: germline.
Comment: This sequence change replaces arginine, which is basic and polar, with proline, which is neutral and non-polar, at codon 1933 of the NOTCH2 protein (p.Arg1933Pro). This variant is not present in population databases (gnomAD no frequency). This variant has not been reported in the literature in individuals affected with NOTCH2-related conditions. Advanced modeling of protein sequence and biophysical properties (such as structural, functional, and spatial information, amino acid conservation, physicochemical variation, residue mobility, and thermodynamic stability) has been performed at Invitae for this missense variant, however the output from this modeling did not meet the statistical confidence thresholds required to predict the impact of this variant on NOTCH2 protein function. In summary, the available evidence is currently insufficient to determine the role of this variant in disease. Therefore, it has been classified as a Variant of Uncertain Significance.

NM_024408.4(NOTCH2):c.5798G>C (p.Arg1933Pro)

Gene: NOTCH2 (notch receptor 2; minus strand). Cytogenetic location: 1p12.
Variant type: single nucleotide variant.
Coding change: c.5798G>C on transcript NM_024408.4 (MANE Select); coding-DNA position 5798, G replaced by C.
Protein change: p.Arg1933Pro; replaces arginine 1933 with proline.
Molecular consequence: missense variant.
Genome position (GRCh38, 1-based): chr1:119,918,537, C>G on the plus strand (G>C on the coding strand, the complement: NOTCH2 is on the minus strand). VCF-style: chr1-119918537-C-G. GRCh37 (hg19) VCF-style: chr1-120461160-C-G.
Other names: short protein forms R1933P.
Identifiers: ClinVar variation 2799663 (VCV002799663.3), dbSNP rs2101148229, ClinGen allele CA341883016.